The following is an entry in ClinVar:

NM_000384.3(APOB):c.6936_6937inv (p.Ile2313Val)

Gene: APOB (apolipoprotein B; minus strand). Cytogenetic location: 2p24.1.
Variant type: Inversion.
Coding change: c.6936_6937inv on transcript NM_000384.3 (MANE Select).
Protein change: p.Ile2313Val; replaces isoleucine 2313 with valine.
Molecular consequence: missense variant.
Genome position: GRCh38 VCF-style: chr2-21009931-TG-CA. GRCh37 (hg19) VCF-style: chr2-21232803-TG-CA.
Other names: short protein forms I2313V.
Identifiers: ClinVar variation 128424 (VCV000128424.35), ClinGen allele CA43504666.

ClinVar aggregate classification (germline): Benign. Review status: criteria provided, multiple submitters, no conflicts (2 of 4 stars). 5 submissions from 5 submitters: Benign (4). 1 of the submissions does not count toward it. Last evaluated 2026-02-04.

Conditions:
Familial hypobetalipoproteinemia 1. Also called: Hypobetalipoproteinemia, normotriglyceridemic; Acanthocytosis with hypobetalipoproteinemia; APOB-Related Familial Hypobetalipoproteinemia. Identifiers: MedGen C4551990, MONDO:0014252, OMIM 615558.
Hypercholesterolemia, autosomal dominant, type B (FHCL2). Also called: Hyperlipoproteinemia Type IIb; HYPERCHOLESTEROLEMIA, FAMILIAL, DUE TO LIGAND-DEFECTIVE APOLIPOPROTEIN B; APOB-Related Familial Hypercholesterolemia, Autosomal Dominant; Familial hypercholesterolemia 2; APOLIPOPROTEIN B-100, FAMILIAL DEFECTIVE; APOLIPOPROTEIN B-100, FAMILIAL LIGAND-DEFECTIVE. Identifiers: MedGen C1704417, MONDO:0007751, OMIM 144010.

Submissions (5):

Labcorp Genetics (formerly Invitae), Labcorp
Classification: Benign for Familial hypobetalipoproteinemia 1; Hypercholesterolemia, autosomal dominant, type B. Last evaluated: 2026-02-04. Review status: criteria provided, single submitter. Criteria: Invitae Variant Classification Sherloc (09022015). Collection method: clinical testing. Allele origin: germline.

ARUP Laboratories, Molecular Genetics and Genomics, ARUP Laboratories
Classification: Benign. Last evaluated: 2025-07-30. Review status: criteria provided, single submitter. Criteria: ARUP Molecular Germline Variant Investigation Process 2024. Collection method: clinical testing. Allele origin: germline.

GeneDx
Classification: Benign. Last evaluated: 2016-10-07. Review status: criteria provided, single submitter. Criteria: GeneDx Variant Classification (06012015). Collection method: clinical testing. Allele origin: germline. Affected: yes.
Comment: This variant is considered likely benign or benign based on one or more of the following criteria: it is a conservative change, it occurs at a poorly conserved position in the protein, it is predicted to be benign by multiple in silico algorithms, and/or has population frequency not consistent with disease.

PreventionGenetics, part of Exact Sciences
Classification: Benign. Review status: criteria provided, single submitter. Criteria: ACMG Guidelines, 2015. Collection method: clinical testing. Allele origin: germline.

Genetic Services Laboratory, University of Chicago
Classification: Likely benign for AllHighlyPenetrant. Review status: no assertion criteria provided. Collection method: clinical testing. Allele origin: germline. Inheritance: Autosomal dominant inheritance. Not counted in ClinVar's aggregate classification.
Comment: Likely benign based on allele frequency in 1000 Genomes Project or ESP global frequency and its presence in a patient with a rare or unrelated disease phenotype. NOT Sanger confirmed.